The following is an entry in ClinVar:

ClinVar aggregate classification (germline): Uncertain significance (1 of 4 stars; one submission).

gnomAD v4.1: 1 of 1,613,732 alleles (0.000062%); highest among the groups gnomAD compares: Middle Eastern, 0.017%; no homozygotes.

Submission:

Labcorp Genetics (formerly Invitae), Labcorp
Classification: Uncertain significance. Last evaluated: 2023-12-09. Review status: criteria provided, single submitter. Criteria: Invitae Variant Classification Sherloc (09022015). Collection method: clinical testing. Allele origin: germline.
Comment: This sequence change replaces threonine, which is neutral and polar, with isoleucine, which is neutral and non-polar, at codon 18 of the COL11A1 protein (p.Thr18Ile). This variant is not present in population databases (gnomAD no frequency). This missense change has been observed in individual(s) with clinical features of COL11A1-related conditions (PMID: 26747767). ClinVar contains an entry for this variant (Variation ID: 1467255). Advanced modeling of protein sequence and biophysical properties (such as structural, functional, and spatial information, amino acid conservation, physicochemical variation, residue mobility, and thermodynamic stability) performed at Invitae indicates that this missense variant is not expected to disrupt COL11A1 protein function with a negative predictive value of 95%. In summary, the available evidence is currently insufficient to determine the role of this variant in disease. Therefore, it has been classified as a Variant of Uncertain Significance.

Literature cited by the submitters: PubMed 26747767.

NM_001854.4(COL11A1):c.53C>T (p.Thr18Ile)

Gene: COL11A1 (collagen type XI alpha 1 chain; minus strand). Cytogenetic location: 1p21.1.
Variant type: single nucleotide variant.
Coding change: c.53C>T on transcript NM_001854.4 (MANE Select); coding-DNA position 53, C replaced by T.
Protein change: p.Thr18Ile; replaces threonine 18 with isoleucine.
Molecular consequence: missense variant. On other transcripts: non-coding transcript variant (1).
Genome position (GRCh38, 1-based): chr1:103,108,126, G>A on the plus strand (C>T on the coding strand, the complement: COL11A1 is on the minus strand). VCF-style: chr1-103108126-G-A. GRCh37 (hg19) VCF-style: chr1-103573682-G-A.
Other names: c.53C>T, p.Thr18Ile (NM_001190709.2, NM_080629.3, NM_080630.4); short protein forms T18I.
Identifiers: ClinVar variation 1467255 (VCV001467255.6), dbSNP rs2102453221, ClinGen allele CA341159574.